The following is an entry in ClinVar:

ClinVar aggregate classification (germline): Uncertain significance (1 of 4 stars; one submission).

Allele frequency attached by ClinVar (database versions not stated): TOPMed below 0.00001.
gnomAD v4.1: 18 of 1,552,802 alleles (0.0012%); highest among the groups gnomAD compares: East Asian, 0.0045%; no homozygotes.

Submission:

Labcorp Genetics (formerly Invitae), Labcorp
Classification: Uncertain significance. Last evaluated: 2022-07-26. Review status: criteria provided, single submitter. Criteria: Invitae Variant Classification Sherloc (09022015). Collection method: clinical testing. Allele origin: germline.
Comment: This sequence change replaces glycine, which is neutral and non-polar, with serine, which is neutral and polar, at codon 436 of the IL2RB protein (p.Gly436Ser). This variant is not present in population databases (gnomAD no frequency). This variant has not been reported in the literature in individuals affected with IL2RB-related conditions. Algorithms developed to predict the effect of missense changes on protein structure and function output the following: SIFT: "Tolerated"; PolyPhen-2: "Benign"; Align-GVGD: "Class C0". The serine amino acid residue is found in multiple mammalian species, which suggests that this missense change does not adversely affect protein function. In summary, the available evidence is currently insufficient to determine the role of this variant in disease. Therefore, it has been classified as a Variant of Uncertain Significance.

NM_000878.5(IL2RB):c.1306G>A (p.Gly436Ser)

Gene: IL2RB (interleukin 2 receptor subunit beta; minus strand). Cytogenetic location: 22q12.3.
Variant type: single nucleotide variant.
Coding change: c.1306G>A on transcript NM_000878.5 (MANE Select); coding-DNA position 1306, G replaced by A.
Protein change: p.Gly436Ser; replaces glycine 436 with serine.
Molecular consequence: missense variant.
Genome position (GRCh38, 1-based): chr22:37,128,446, C>T on the plus strand (G>A on the coding strand, the complement: IL2RB is on the minus strand). VCF-style: chr22-37128446-C-T. GRCh37 (hg19) VCF-style: chr22-37524486-C-T.
Other names: c.1306G>A, p.Gly436Ser (NM_001346222.1, NM_001346223.2); short protein forms G436S.
Identifiers: ClinVar variation 1961443 (VCV001961443.2), dbSNP rs760070428, ClinGen allele CA324043230.